The following is an entry in ClinVar:

NM_005228.5(EGFR):c.3271G>A (p.Glu1091Lys)

Gene: EGFR (epidermal growth factor receptor; plus strand). Cytogenetic location: 7p11.2.
Variant type: single nucleotide variant.
Coding change: c.3271G>A on transcript NM_005228.5 (MANE Select); coding-DNA position 3271, G replaced by A.
Protein change: p.Glu1091Lys; replaces glutamic acid 1091 with lysine.
Molecular consequence: missense variant.
Genome position (GRCh38, 1-based): chr7:55,202,625, G>A. VCF-style: chr7-55202625-G-A. GRCh37 (hg19) VCF-style: chr7-55270318-G-A.
Other names: c.3136G>A, p.Gly1046Ser (NM_001346897.2); c.3271G>A, p.Gly1091Ser (NM_001346898.2); c.3136G>A, p.Glu1046Lys (NM_001346899.2); c.3112G>A, p.Glu1038Lys (NM_001346900.2); c.2470G>A, p.Glu824Lys (NM_001346941.2); c.3271G>A (NM_005228.3); short protein forms E1038K, E1046K, E1091K, E824K, G1046S, G1091S.
Identifiers: ClinVar variation 1051731 (VCV001051731.10), dbSNP rs1328333567, ClinGen allele CA367583595.
Genomic context (GRCh38, chr7:55,202,625, plus strand): 5'-TCAGACCCCACAGGCGCCTTGACTGAGGACAGCATAGACGACACCTTCCTCCCAGTGCCT[G>A]GTGAGTGGCTTGTCTGGAAACAGTCCTGCTCCTCAACCTCCTCGACCCACTCAGCAGCAG-3'
Protein context (NP_005219.2, residues 1081-1101): SIDDTFLPVP[Glu1091Lys]YINQSVPKRP

ClinVar aggregate classification (germline): Uncertain significance. Review status: criteria provided, multiple submitters, no conflicts (2 of 4 stars). 2 submissions from 2 submitters: Uncertain significance (2). Last evaluated 2025-01-24.

Conditions:
Hereditary cancer-predisposing syndrome. Also called: Tumor predisposition; Hereditary neoplastic syndrome; Hereditary Cancer Syndrome; Neoplastic Syndromes, Hereditary. Identifiers: Orphanet 140162, MedGen C0027672, MeSH D009386, MONDO:0015356.
EGFR-related lung cancer (EGFR). Identifiers: MedGen CN130014.

Allele frequency attached by ClinVar (database versions not stated): gnomAD exomes below 0.00001; TOPMed below 0.00001; gnomAD 0.00001.
gnomAD v4.1: 2 of 1,610,478 alleles (0.00012%); highest among the groups gnomAD compares: Non-Finnish European, 0.00017%; no homozygotes.

Submissions (2):

Ambry Genetics
Classification: Uncertain significance for Hereditary cancer-predisposing syndrome. Last evaluated: 2025-01-24. Review status: criteria provided, single submitter. Criteria: Ambry Variant Classification Scheme 2023. Collection method: clinical testing. Allele origin: germline.
Comment: The c.3271G>A variant (also known as p.E1091K), located in coding exon 27 of the EGFR gene, results from a G to A substitution at nucleotide position 3271. The amino acid change results in glutamic acid to lysine at codon 1091, an amino acid with similar properties. However, this change occurs in the last base pair of coding exon 27, which makes it likely to have some effect on normal mRNA splicing. This nucleotide position is highly conserved in available vertebrate species. In silico splice site analysis predicts that this alteration will not have any significant effect on splicing. This amino acid position is highly conserved in available vertebrate species. In addition, as a missense substitution this is predicted to be inconclusive by in silico analysis. Based on the available evidence, the clinical significance of this variant remains unclear.

Labcorp Genetics (formerly Invitae), Labcorp
Classification: Uncertain significance for EGFR-related lung cancer. Last evaluated: 2024-09-23. Review status: criteria provided, single submitter. Criteria: Invitae Variant Classification Sherloc (09022015). Collection method: clinical testing. Allele origin: germline.
Comment: This sequence change replaces glutamic acid, which is acidic and polar, with lysine, which is basic and polar, at codon 1091 of the EGFR protein (p.Glu1091Lys). This variant also falls at the last nucleotide of exon 27, which is part of the consensus splice site for this exon. This variant is present in population databases (no rsID available, gnomAD 0.007%). This variant has not been reported in the literature in individuals affected with EGFR-related conditions. ClinVar contains an entry for this variant (Variation ID: 1051731). An algorithm developed to predict the effect of missense changes on protein structure and function (PolyPhen-2) suggests that this variant is likely to be disruptive. Variants that disrupt the consensus splice site are a relatively common cause of aberrant splicing (PMID: 17576681, 9536098). Algorithms developed to predict the effect of sequence changes on RNA splicing suggest that this variant may disrupt the consensus splice site. In summary, the available evidence is currently insufficient to determine the role of this variant in disease. Therefore, it has been classified as a Variant of Uncertain Significance.

Literature cited by the submitters: PubMed 17576681 (cited by Labcorp Genetics (formerly Invitae), Labcorp); PubMed 9536098 (cited by Labcorp Genetics (formerly Invitae), Labcorp).